The following is an entry in ClinVar:

NM_001379286.1(ZNF423):c.1886C>T (p.Ser629Leu)

Gene: ZNF423 (zinc finger protein 423; minus strand). Cytogenetic location: 16q12.1.
Variant type: single nucleotide variant.
Coding change: c.1886C>T on transcript NM_001379286.1 (MANE Select); coding-DNA position 1886, C replaced by T.
Protein change: p.Ser629Leu; replaces serine 629 with leucine.
Molecular consequence: missense variant.
Genome position (GRCh38, 1-based): chr16:49,637,290, G>A on the plus strand (C>T on the coding strand, the complement: ZNF423 is on the minus strand). VCF-style: chr16-49637290-G-A. GRCh37 (hg19) VCF-style: chr16-49671201-G-A.
Other names: c.1682C>T, p.Ser561Leu (NM_001271620.2); c.1511C>T, p.Ser504Leu (NM_001330533.2); c.1862C>T, p.Ser621Leu (NM_015069.5); short protein forms S629L, S504L, S561L, S621L.
Identifiers: ClinVar variation 942195 (VCV000942195.10), dbSNP rs1972765928, ClinGen allele CA395845820.

ClinVar aggregate classification (germline): Uncertain significance. Review status: criteria provided, multiple submitters, no conflicts (2 of 4 stars). 2 submissions from 2 submitters: Uncertain significance (2). Last evaluated 2022-05-25.

Conditions:
Nephronophthisis 14 (NPHP14). Identifiers: Orphanet 2318, MedGen C3539071, MONDO:0013916, OMIM 614844.

Allele frequency attached by ClinVar (database versions not stated): gnomAD exomes below 0.00001.
gnomAD v4.1: 4 of 1,614,228 alleles (0.00025%); highest among the groups gnomAD compares: East Asian, 0.0022%; no homozygotes.

Submissions (2):

Blueprint Genetics
Classification: Uncertain significance. Last evaluated: 2022-05-25. Review status: criteria provided, single submitter. Criteria: ACMG Guidelines, 2015. Collection method: clinical testing. Allele origin: germline.

Labcorp Genetics (formerly Invitae), Labcorp
Classification: Uncertain significance for Nephronophthisis 14. Last evaluated: 2019-09-10. Review status: criteria provided, single submitter. Criteria: Invitae Variant Classification Sherloc (09022015). Collection method: clinical testing. Allele origin: germline.
Comment: This variant has not been reported in the literature in individuals with ZNF423-related conditions. In summary, the available evidence is currently insufficient to determine the role of this variant in disease. Therefore, it has been classified as a Variant of Uncertain Significance. Algorithms developed to predict the effect of missense changes on protein structure and function (SIFT, PolyPhen-2, Align-GVGD) all suggest that this variant is likely to be tolerated, but these predictions have not been confirmed by published functional studies and their clinical significance is uncertain. This variant is not present in population databases (ExAC no frequency). This sequence change replaces serine with leucine at codon 621 of the ZNF423 protein (p.Ser621Leu). The serine residue is moderately conserved and there is a large physicochemical difference between serine and leucine.